The following is an entry in ClinVar:

ClinVar aggregate classification (germline): Uncertain significance (1 of 4 stars; one submission).

Conditions:
Bloom syndrome (BLM). Also called: Bloom-Torre-Machacek syndrome. Identifiers: Orphanet 125, MedGen C0005859, MONDO:0008876, OMIM 210900.

Submission:

Labcorp Genetics (formerly Invitae), Labcorp
Classification: Uncertain significance for Bloom syndrome. Last evaluated: 2019-03-29. Review status: criteria provided, single submitter. Criteria: Invitae Variant Classification Sherloc (09022015). Collection method: clinical testing. Allele origin: germline.
Comment: In summary, the available evidence is currently insufficient to determine the role of this variant in disease. Therefore, it has been classified as a Variant of Uncertain Significance. Algorithms developed to predict the effect of missense changes on protein structure and function (SIFT, PolyPhen-2, Align-GVGD) all suggest that this variant is likely to be tolerated, but these predictions have not been confirmed by published functional studies and their clinical significance is uncertain. This variant has not been reported in the literature in individuals with BLM-related conditions. This variant is not present in population databases (ExAC no frequency). This sequence change replaces valine with aspartic acid at codon 334 of the BLM protein (p.Val334Asp). The valine residue is weakly conserved and there is a large physicochemical difference between valine and aspartic acid.

NM_000057.4(BLM):c.1001T>A (p.Val334Asp)

Gene: BLM (BLM RecQ like helicase; plus strand). Cytogenetic location: 15q26.1.
Variant type: single nucleotide variant.
Coding change: c.1001T>A on transcript NM_000057.4 (MANE Select); coding-DNA position 1001, T replaced by A.
Protein change: p.Val334Asp; replaces valine 334 with aspartic acid.
Molecular consequence: missense variant. On other transcripts: 5 prime UTR variant (1).
Genome position (GRCh38, 1-based): chr15:90,754,852, T>A. VCF-style: chr15-90754852-T-A. GRCh37 (hg19) VCF-style: chr15-91298082-T-A.
Other names: c.1001T>A, p.Val334Asp (NM_001287246.2, NM_001287247.2); c.-291T>A (NM_001287248.2); short protein forms V334D.
Identifiers: ClinVar variation 949753 (VCV000949753.10), dbSNP rs1895775882, ClinGen allele CA393842072.